The following is an entry in ClinVar:

NM_004525.3(LRP2):c.3840C>T (p.Asn1280=)

Gene: LRP2 (LDL receptor related protein 2; minus strand). Cytogenetic location: 2q31.1.
Variant type: single nucleotide variant.
Coding change: c.3840C>T on transcript NM_004525.3 (MANE Select); coding-DNA position 3840, C replaced by T.
Protein change: p.Asn1280=; no amino-acid change (asparagine 1280 retained).
Molecular consequence: synonymous variant.
Genome position (GRCh38, 1-based): chr2:169,241,193, G>A on the plus strand (C>T on the coding strand, the complement: LRP2 is on the minus strand). VCF-style: chr2-169241193-G-A. GRCh37 (hg19) VCF-style: chr2-170097703-G-A.
Other names: c.3840C>T (NM_004525.2).
Identifiers: ClinVar variation 2190837 (VCV002190837.5), dbSNP rs767886006, ClinGen allele CA1954930.

ClinVar aggregate classification (germline): Likely benign. Review status: criteria provided, multiple submitters, no conflicts (2 of 4 stars). 2 submissions from 2 submitters: Likely benign (2). Last evaluated 2026-06-15.

Conditions:
LRP2-related disorder. Also called: LRP2-related condition.

Allele frequency attached by ClinVar (database versions not stated): ExAC 0.00001; gnomAD 0.00002; TOPMed 0.00002.
gnomAD v4.1: 44 of 1,614,022 alleles (0.0027%); highest among the groups gnomAD compares: Admixed American, 0.0033%; no homozygotes.

Submissions (2):

PreventionGenetics, part of Exact Sciences
Classification: Likely benign for LRP2-related condition. Last evaluated: 2026-06-15. Review status: criteria provided, single submitter. Criteria: ACMG Guidelines, 2015. Collection method: clinical testing. Allele origin: germline.
Comment: This variant is classified as likely benign based on ACMG/AMP sequence variant interpretation guidelines (Richards et al. 2015 PMID: 25741868, with internal and published modifications).

Labcorp Genetics (formerly Invitae), Labcorp
Classification: Likely benign. Last evaluated: 2026-01-03. Review status: criteria provided, single submitter. Criteria: Invitae Variant Classification Sherloc (09022015). Collection method: clinical testing. Allele origin: germline.